The following is an entry in ClinVar:

NM_001379500.1(COL18A1):c.107-12121C>T

Gene: COL18A1 (collagen type XVIII alpha 1 chain; plus strand). Cytogenetic location: 21q22.3.
Variant type: single nucleotide variant.
Coding change: c.107-12121C>T on transcript NM_001379500.1 (MANE Select); 12121 bases into the intron before coding-DNA position 107, C replaced by T.
Molecular consequence: intron variant. On other transcripts: synonymous variant (2).
Genome position (GRCh38, 1-based): chr21:45,456,121, C>T. VCF-style: chr21-45456121-C-T. GRCh37 (hg19) VCF-style: chr21-46876035-C-T.
Other names: c.591C>T, p.Ser197= (NM_030582.4, NM_130444.3); c.591C>T (NM_030582.3).
Identifiers: ClinVar variation 1601767 (VCV001601767.11), dbSNP rs746406313, ClinGen allele CA10065522.

ClinVar aggregate classification (germline): Benign/Likely benign. Review status: criteria provided, multiple submitters, no conflicts (2 of 4 stars). 3 submissions from 3 submitters: Benign (1); Likely benign (1). 1 of the submissions does not count toward it. Last evaluated 2025-11-05.

Conditions:
COL18A1-related disorder. Also called: COL18A1-related disorders; COL18A1-related condition.

Allele frequency attached by ClinVar (database versions not stated): gnomAD exomes 0.00003 and 0.00021; TOPMed 0.00003; 1000 Genomes Project 30x 0.00016; ExAC 0.00023.
gnomAD v4.1: 56 of 1,585,722 alleles (0.0035%); highest among the groups gnomAD compares: East Asian, 0.12%; no homozygotes.

Submissions (3):

Labcorp Genetics (formerly Invitae), Labcorp
Classification: Benign. Last evaluated: 2025-11-05. Review status: criteria provided, single submitter. Criteria: Invitae Variant Classification Sherloc (09022015). Collection method: clinical testing. Allele origin: germline.

Blueprint Genetics
Classification: Likely benign. Last evaluated: 2024-09-25. Review status: criteria provided, single submitter. Criteria: ACMG Guidelines, 2015. Collection method: clinical testing. Allele origin: germline.

PreventionGenetics, part of Exact Sciences
Classification: Likely benign for COL18A1-related condition. Last evaluated: 2019-12-27. Review status: no assertion criteria provided. Collection method: clinical testing. Allele origin: germline. Not counted in ClinVar's aggregate classification.
Comment: This variant is classified as likely benign based on ACMG/AMP sequence variant interpretation guidelines (Richards et al. 2015 PMID: 25741868, with internal and published modifications).